The following is an entry in ClinVar:

ClinVar aggregate classification (germline): Uncertain significance (1 of 4 stars; one submission).

gnomAD v4.1: 4 of 1,614,250 alleles (0.00025%); highest among the groups gnomAD compares: Admixed American, 0.0033%; no homozygotes.

Submission:

Dasa
Classification: Uncertain significance. Last evaluated: 2024-12-02. Review status: criteria provided, single submitter. Criteria: DASA Assertion Criteria. Collection method: clinical testing. Allele origin: germline.
Comment: NM_015100.4(POGZ):c.3893T>G (p.Leu1298Arg) is a missense variant that results in the substitution of leucine with arginine. This variant is rare in population databases. Computational prediction algorithms are consistent with a benign effect. The currently available literature and clinical evidence are not sufficient to establish a definitive association between this variant and the reported condition. Therefore, this variant is classified as a variant of uncertain significance.

NM_015100.4(POGZ):c.3893T>G (p.Leu1298Arg)

Gene: POGZ (pogo transposable element derived with ZNF domain; minus strand). Cytogenetic location: 1q21.3.
Variant type: single nucleotide variant.
Coding change: c.3893T>G on transcript NM_015100.4 (MANE Select); coding-DNA position 3893, T replaced by G.
Protein change: p.Leu1298Arg; replaces leucine 1298 with arginine.
Molecular consequence: missense variant.
Genome position (GRCh38, 1-based): chr1:151,405,142, A>C on the plus strand (T>G on the coding strand, the complement: POGZ is on the minus strand). VCF-style: chr1-151405142-A-C. GRCh37 (hg19) VCF-style: chr1-151377618-A-C.
Other names: c.3866T>G, p.Leu1289Arg (NM_001194937.2); c.3707T>G, p.Leu1236Arg (NM_001194938.2); c.3914T>G, p.Leu1305Arg (NM_001410860.1); c.3608T>G, p.Leu1203Arg (NM_145796.4); c.3734T>G, p.Leu1245Arg (NM_207171.2); short protein forms L1203R, L1236R, L1245R, L1289R, L1298R, L1305R.
Identifiers: ClinVar variation 4885222 (VCV004885222.2).